The following is an entry in ClinVar:

ClinVar aggregate classification (germline): Uncertain significance. Review status: criteria provided, multiple submitters, no conflicts (2 of 4 stars). 3 submissions from 3 submitters: Uncertain significance (3). Last evaluated 2025-05-22.

Conditions:
Inborn genetic diseases. Identifiers: MedGen C0950123, MeSH D030342.
Fanconi anemia (FA). Also called: Fanconi's anemia. Identifiers: Orphanet 84, MedGen C0015625, MeSH D005199, MONDO:0019391.

Allele frequency attached by ClinVar (database versions not stated): gnomAD exomes below 0.00001; gnomAD 0.00001.
gnomAD v4.1: 3 of 1,613,452 alleles (0.00019%); highest among the groups gnomAD compares: Non-Finnish European, 0.00025%; no homozygotes.

Submissions (3):

GeneDx
Classification: Uncertain significance. Last evaluated: 2025-05-22. Review status: criteria provided, single submitter. Criteria: GeneDx Variant Classification Process June 2021. Collection method: clinical testing. Allele origin: germline. Affected: yes.
Comment: Not observed at significant frequency in large population cohorts (gnomAD); In silico analysis suggests that this missense variant does not alter protein structure/function; Has not been previously published as pathogenic or benign to our knowledge

Ambry Genetics
Classification: Uncertain significance for Inborn genetic diseases. Last evaluated: 2025-02-02. Review status: criteria provided, single submitter. Criteria: Ambry Variant Classification Scheme 2023. Collection method: clinical testing. Allele origin: germline.
Comment: The p.I552V variant (also known as c.1654A>G), located in coding exon 10 of the FANCM gene, results from an A to G substitution at nucleotide position 1654. The isoleucine at codon 552 is replaced by valine, an amino acid with highly similar properties. This amino acid position is conserved. In addition, the in silico prediction for this alteration is inconclusive. Based on the available evidence, the clinical significance of this variant remains unclear.

Labcorp Genetics (formerly Invitae), Labcorp
Classification: Uncertain significance for Fanconi anemia. Last evaluated: 2019-04-08. Review status: criteria provided, single submitter. Criteria: Invitae Variant Classification Sherloc (09022015). Collection method: clinical testing. Allele origin: germline.
Comment: This sequence change replaces isoleucine with valine at codon 552 of the FANCM protein (p.Ile552Val). The isoleucine residue is highly conserved and there is a small physicochemical difference between isoleucine and valine. This variant is not present in population databases (ExAC no frequency). This variant has not been reported in the literature in individuals with FANCM-related conditions. Algorithms developed to predict the effect of missense changes on protein structure and function are either unavailable or do not agree on the potential impact of this missense change (SIFT: "Tolerated"; PolyPhen-2: "Possibly Damaging"; Align-GVGD: "Class C0"). Algorithms developed to predict the effect of sequence changes on RNA splicing suggest that this variant may create or strengthen a splice site, but this prediction has not been confirmed by published transcriptional studies. In summary, the available evidence is currently insufficient to determine the role of this variant in disease. Therefore, it has been classified as a Variant of Uncertain Significance.

NM_020937.4(FANCM):c.1654A>G (p.Ile552Val)

Gene: FANCM (FA complementation group M; plus strand). Cytogenetic location: 14q21.2.
Variant type: single nucleotide variant.
Coding change: c.1654A>G on transcript NM_020937.4 (MANE Select); coding-DNA position 1654, A replaced by G.
Protein change: p.Ile552Val; replaces isoleucine 552 with valine.
Molecular consequence: missense variant.
Genome position (GRCh38, 1-based): chr14:45,164,431, A>G. VCF-style: chr14-45164431-A-G. GRCh37 (hg19) VCF-style: chr14-45633634-A-G.
Other names: c.1654A>G, p.Ile552Val (NM_001308134.2); c.1576A>G, p.Ile526Val (NM_001308133.2); short protein forms I552V, I526V.
Identifiers: ClinVar variation 847366 (VCV000847366.11), dbSNP rs1416236626, ClinGen allele CA389593702.